The following is an entry in ClinVar:

NM_001134407.3(GRIN2A):c.*9517T>C

Gene: GRIN2A (glutamate ionotropic receptor NMDA type subunit 2A; minus strand). Cytogenetic location: 16p13.2.
Variant type: single nucleotide variant.
Coding change: c.*9517T>C on transcript NM_001134407.3 (MANE Select); 9517 bases downstream of the stop codon, T replaced by C.
Molecular consequence: 3 prime UTR variant.
Genome position (GRCh38, 1-based): chr16:9,753,632, A>G on the plus strand (T>C on the coding strand, the complement: GRIN2A is on the minus strand). VCF-style: chr16-9753632-A-G. GRCh37 (hg19) VCF-style: chr16-9847489-A-G.
Other names: c.*9517T>C (NM_000833.5); c.*9723T>C (NM_001134408.2).
Identifiers: ClinVar variation 321460 (VCV000321460.5), dbSNP rs16966242, ClinGen allele CA10644696.
Genomic context (GRCh38, chr16:9,753,632, plus strand): 5'-CACATTGAACAAAATTAAAAGACATACTACAAGAAGACAACCATAGTATATACTTCCTCT[A>G]TCATAGAAAGGTGTTAAGCAAACATATAATTTTGTAGCTATGCTTGGAAATATTTAATAC-3'

ClinVar aggregate classification (germline): Benign (1 of 4 stars; one submission).

Conditions:
Landau-Kleffner syndrome (FESD). Also called: EPILEPSY, FOCAL, WITH SPEECH DISORDER AND WITH OR WITHOUT MENTAL RETARDATION; APHASIA, ACQUIRED, WITH EPILEPSY. Identifiers: Orphanet 1945, Orphanet 725, Orphanet 98818, MedGen C0282512, MONDO:0009509, OMIM 245570.

Allele frequency attached by ClinVar (database versions not stated): 1000 Genomes Project 0.01118; gnomAD 0.01187 and 0.01287; gnomAD exomes 0.00211; 1000 Genomes Project 30x 0.01218; TOPMed 0.01380.
gnomAD v4.1: 1,888 of 195,244 alleles (0.97%); highest among the groups gnomAD compares: African/African-American, 4%; 22 homozygotes.

Submission:

Illumina Laboratory Services, Illumina
Classification: Benign for Landau-Kleffner syndrome. Last evaluated: 2018-01-13. Review status: criteria provided, single submitter. Criteria: ICSL Variant Classification Criteria 13 December 2019. Collection method: clinical testing. Allele origin: germline.
Comment: This variant was observed in the ICSL laboratory as part of a predisposition screen in an ostensibly healthy population. It had not been previously curated by ICSL or reported in the Human Gene Mutation Database (HGMD: prior to June 1st, 2018), and was therefore a candidate for classification through an automated scoring system. Utilizing variant allele frequency, disease prevalence and penetrance estimates, and inheritance mode, an automated score was calculated to assess if this variant is too frequent to cause the disease. Based on the score and internal cut-off values, a variant classified as benign is not then subjected to further curation. The score for this variant resulted in a classification of benign for this disease.